The following is an entry in ClinVar:

ClinVar aggregate classification (germline): Likely benign (0 of 4 stars; one submission).

Conditions:
UBE3B-related disorder. Also called: UBE3B-related condition.

Allele frequency attached by ClinVar (database versions not stated): gnomAD 0.00001; TOPMed 0.00001; gnomAD exomes 0.00004; ExAC 0.00007.
gnomAD v4.1: 59 of 1,535,864 alleles (0.0038%); highest among the groups gnomAD compares: Non-Finnish European, 0.0049%; no homozygotes.

Submission:

PreventionGenetics, part of Exact Sciences
Classification: Likely benign for UBE3B-related condition. Last evaluated: 2019-08-21. Review status: no assertion criteria provided. Collection method: clinical testing. Allele origin: germline.
Comment: This variant is classified as likely benign based on ACMG/AMP sequence variant interpretation guidelines (Richards et al. 2015 PMID: 25741868, with internal and published modifications).

NM_130466.4(UBE3B):c.631-490C>T

Gene: UBE3B (ubiquitin protein ligase E3B; plus strand). Cytogenetic location: 12q24.11.
Variant type: single nucleotide variant.
Coding change: c.631-490C>T on transcript NM_130466.4 (MANE Select); 490 bases into the intron before coding-DNA position 631, C replaced by T.
Molecular consequence: intron variant. On other transcripts: synonymous variant (3).
Genome position (GRCh38, 1-based): chr12:109,490,555, C>T. VCF-style: chr12-109490555-C-T. GRCh37 (hg19) VCF-style: chr12-109928360-C-T.
Other names: c.696C>T, p.Ser232= (NM_001270449.2, NM_001270450.2, NM_001270451.2); c.631-490C>T (NM_183415.3).
Identifiers: ClinVar variation 3052911 (VCV003052911.2), dbSNP rs764202583, ClinGen allele CA6777616.